The following is an entry in ClinVar:

NM_144596.4(TTC8):c.1050G>T (p.Arg350Ser)

Gene: TTC8 (tetratricopeptide repeat domain 8; plus strand). Cytogenetic location: 14q31.3.
Variant type: single nucleotide variant.
Coding change: c.1050G>T on transcript NM_144596.4 (MANE Select); coding-DNA position 1050, G replaced by T.
Protein change: p.Arg350Ser; replaces arginine 350 with serine.
Molecular consequence: missense variant. On other transcripts: non-coding transcript variant (1).
Genome position (GRCh38, 1-based): chr14:88,871,549, G>T. VCF-style: chr14-88871549-G-T. GRCh37 (hg19) VCF-style: chr14-89337893-G-T.
Other names: c.1098G>T, p.Arg366Ser (NM_001288781.1); c.456G>T, p.Arg152Ser (NM_001288782.1); c.333G>T, p.Arg111Ser (NM_001288783.1); c.1020G>T, p.Arg340Ser (NM_001366535.2, NM_198309.3); c.930G>T, p.Arg310Ser (NM_001366536.2, NM_198310.3); short protein forms R340S, R350S, R366S, R111S, R152S, R310S.
Identifiers: ClinVar variation 836188 (VCV000836188.9), dbSNP rs2094933981, ClinGen allele CA390550429.

ClinVar aggregate classification (germline): Uncertain significance (1 of 4 stars; one submission).

Conditions:
Bardet-Biedl syndrome (BBS). Identifiers: Orphanet 110, MedGen C0752166, MONDO:0015229.

Submission:

Labcorp Genetics (formerly Invitae), Labcorp
Classification: Uncertain significance for Bardet-Biedl syndrome. Last evaluated: 2019-12-24. Review status: criteria provided, single submitter. Criteria: Invitae Variant Classification Sherloc (09022015). Collection method: clinical testing. Allele origin: germline.
Comment: In summary, the available evidence is currently insufficient to determine the role of this variant in disease. Therefore, it has been classified as a Variant of Uncertain Significance. Algorithms developed to predict the effect of sequence changes on RNA splicing suggest that this variant may disrupt the consensus splice site, but this prediction has not been confirmed by published transcriptional studies. Algorithms developed to predict the effect of missense changes on protein structure and function are either unavailable or do not agree on the potential impact of this missense change (SIFT: "Deleterious"; PolyPhen-2: "Probably Damaging"; Align-GVGD: "Class C0"). This variant has not been reported in the literature in individuals with TTC8-related conditions. This variant is not present in population databases (ExAC no frequency). This sequence change replaces arginine with serine at codon 340 of the TTC8 protein (p.Arg340Ser). The arginine residue is highly conserved and there is a moderate physicochemical difference between arginine and serine.